The following is an entry in ClinVar:

NM_001194998.2(CEP152):c.1654C>T (p.Arg552Cys)

Gene: CEP152 (centrosomal protein 152; minus strand). Cytogenetic location: 15q21.1.
Variant type: single nucleotide variant.
Coding change: c.1654C>T on transcript NM_001194998.2 (MANE Select); coding-DNA position 1654, C replaced by T.
Protein change: p.Arg552Cys; replaces arginine 552 with cysteine.
Molecular consequence: missense variant.
Genome position (GRCh38, 1-based): chr15:48,772,615, G>A on the plus strand (C>T on the coding strand, the complement: CEP152 is on the minus strand). VCF-style: chr15-48772615-G-A. GRCh37 (hg19) VCF-style: chr15-49064812-G-A.
Other names: c.1654C>T, p.Arg552Cys (NM_014985.4); c.1654C>T (NM_014985.3); short protein forms R552C.
Identifiers: ClinVar variation 1468533 (VCV001468533.6), dbSNP rs771215715, ClinGen allele CA7548780.
Genomic context (GRCh38, chr15:48,772,615, plus strand): 5'-TGAGGTCATTTTGTAACTGAGACACCAGATGACGCTTCATTGAGTTGCTACCCAGCAAAC[G>A]CTGTACTTCTGCCTTTAACTTCAGAATGAACTCATCTTTTGAAAGCTCTTCATTTGGGTC-3'
Protein context (NP_001181927.1, residues 542-562): FILKLKAEVQ[Arg552Cys]LLGSNSMKRH

ClinVar aggregate classification (germline): Uncertain significance. Review status: criteria provided, multiple submitters, no conflicts (2 of 4 stars). 2 submissions from 2 submitters: Uncertain significance (2). Last evaluated 2023-12-28.

Conditions:
Inborn genetic diseases. Identifiers: MedGen C0950123, MeSH D030342.

Allele frequency attached by ClinVar (database versions not stated): ExAC 0.00001; gnomAD 0.00001; gnomAD exomes 0.00001; TOPMed 0.00004.
gnomAD v4.1: 22 of 1,613,932 alleles (0.0014%); highest among the groups gnomAD compares: South Asian, 0.0022%; no homozygotes.

Submissions (2):

Ambry Genetics
Classification: Uncertain significance for Inborn genetic diseases. Last evaluated: 2023-12-28. Review status: criteria provided, single submitter. Criteria: Ambry Variant Classification Scheme 2023. Collection method: clinical testing. Allele origin: germline.

Labcorp Genetics (formerly Invitae), Labcorp
Classification: Uncertain significance. Last evaluated: 2022-08-09. Review status: criteria provided, single submitter. Criteria: Invitae Variant Classification Sherloc (09022015). Collection method: clinical testing. Allele origin: germline.
Comment: This sequence change replaces arginine, which is basic and polar, with cysteine, which is neutral and slightly polar, at codon 552 of the CEP152 protein (p.Arg552Cys). This variant is present in population databases (rs771215715, gnomAD 0.003%). This variant has not been reported in the literature in individuals affected with CEP152-related conditions. ClinVar contains an entry for this variant (Variation ID: 1468533). Algorithms developed to predict the effect of missense changes on protein structure and function (SIFT, PolyPhen-2, Align-GVGD) all suggest that this variant is likely to be disruptive. In summary, the available evidence is currently insufficient to determine the role of this variant in disease. Therefore, it has been classified as a Variant of Uncertain Significance.